The following is an entry in ClinVar:

NM_138694.4(PKHD1):c.831C>T (p.Ile277=)

Gene: PKHD1 (PKHD1 ciliary IPT domain containing fibrocystin/polyductin; minus strand). Cytogenetic location: 6p12.2.
Variant type: single nucleotide variant.
Coding change: c.831C>T on transcript NM_138694.4 (MANE Select); coding-DNA position 831, C replaced by T.
Protein change: p.Ile277=; no amino-acid change (isoleucine 277 retained).
Molecular consequence: synonymous variant.
Genome position (GRCh38, 1-based): chr6:52,066,025, G>A on the plus strand (C>T on the coding strand, the complement: PKHD1 is on the minus strand). VCF-style: chr6-52066025-G-A. GRCh37 (hg19) VCF-style: chr6-51930823-G-A.
Other names: c.831C>T, p.Ile277= (NM_170724.3); c.831C>T (NM_138694.3).
Identifiers: ClinVar variation 597936 (VCV000597936.15), dbSNP rs142678486, ClinGen allele CA3853744.

ClinVar aggregate classification (germline): Conflicting classifications of pathogenicity. Review status: criteria provided, conflicting classifications (1 of 4 stars). 3 submissions from 3 submitters: Uncertain significance (1); Likely benign (1). 1 of the submissions does not count toward it. Last evaluated 2025-11-08.

Conditions:
PKHD1-related disorder. Also called: PKHD1-related condition.
Autosomal recessive polycystic kidney disease (ARPKD). Also called: AR polycystic kidney disease. Identifiers: Orphanet 731, Orphanet 8378, MedGen C0085548, MeSH D017044, MONDO:0009889.

Allele frequency attached by ClinVar (database versions not stated): gnomAD exomes 0.00001 and 0.00002; ExAC 0.00003; TOPMed 0.00011; gnomAD 0.00013 and 0.00017; ESP Exome Variant Server 0.00023.
gnomAD v4.1: 29 of 1,603,802 alleles (0.0018%); highest among the groups gnomAD compares: African/African-American, 0.038%; no homozygotes.

Submissions (3):

Labcorp Genetics (formerly Invitae), Labcorp
Classification: Likely benign for Autosomal recessive polycystic kidney disease. Last evaluated: 2025-11-08. Review status: criteria provided, single submitter. Criteria: Invitae Variant Classification Sherloc (09022015). Collection method: clinical testing. Allele origin: germline.

Eurofins Ntd Llc (ga)
Classification: Uncertain significance. Last evaluated: 2018-07-05. Review status: criteria provided, single submitter. Criteria: EGL ClinVar v180209 classification definitions. Collection method: clinical testing. Allele origin: germline. Observed: 1 variant allele, 1 heterozygote.

PreventionGenetics, part of Exact Sciences
Classification: Likely benign for PKHD1-related condition. Last evaluated: 2022-01-17. Review status: no assertion criteria provided. Collection method: clinical testing. Allele origin: germline. Not counted in ClinVar's aggregate classification.
Comment: This variant is classified as likely benign based on ACMG/AMP sequence variant interpretation guidelines (Richards et al. 2015 PMID: 25741868, with internal and published modifications).